The following is an entry in ClinVar:

NM_020166.5(MCCC1):c.842G>A (p.Arg281Gln)

Gene: MCCC1 (methylcrotonyl-CoA carboxylase subunit 1; minus strand). Cytogenetic location: 3q27.1.
Variant type: single nucleotide variant.
Coding change: c.842G>A on transcript NM_020166.5 (MANE Select); coding-DNA position 842, G replaced by A.
Protein change: p.Arg281Gln; replaces arginine 281 with glutamine.
Molecular consequence: missense variant. On other transcripts: non-coding transcript variant (2).
Genome position (GRCh38, 1-based): chr3:183,057,342, C>T on the plus strand (G>A on the coding strand, the complement: MCCC1 is on the minus strand). VCF-style: chr3-183057342-C-T. GRCh37 (hg19) VCF-style: chr3-182775130-C-T.
Other names: c.491G>A, p.Arg164Gln (NM_001293273.2); c.515G>A, p.Arg172Gln (NM_001363880.1); c.842G>A (NM_020166.3); short protein forms R281Q, R164Q, R172Q.
Identifiers: ClinVar variation 567029 (VCV000567029.10), dbSNP rs754437245, ClinGen allele CA2718957.

ClinVar aggregate classification (germline): Uncertain significance. Review status: criteria provided, multiple submitters, no conflicts (2 of 4 stars). 4 submissions from 4 submitters: Uncertain significance (3). 1 of the submissions does not count toward it. Last evaluated 2026-04-21.

Conditions:
Inborn genetic diseases. Identifiers: MedGen C0950123, MeSH D030342.
3-methylcrotonyl-CoA carboxylase 1 deficiency (MCC1D). Also called: MCC 1 deficiency; 3 Alpha methylcrotonylglycinuria 1; MCCD TYPE 1; METHYLCROTONYLGLYCINURIA TYPE I. Identifiers: Orphanet 6, MedGen CN028786, MONDO:0008861, OMIM 210200.

Allele frequency attached by ClinVar (database versions not stated): gnomAD 0.00001; gnomAD exomes 0.00001 and 0.00002; TOPMed 0.00001; ExAC 0.00003.
gnomAD v4.1: 11 of 1,609,266 alleles (0.00068%); highest among the groups gnomAD compares: East Asian, 0.0045%; no homozygotes.

Submissions (4):

Women's Health and Genetics/Laboratory Corporation of America, LabCorp
Classification: Uncertain significance. Last evaluated: 2026-04-21. Review status: criteria provided, single submitter. Criteria: LabCorp Variant Classification Summary - May 2015. Collection method: clinical testing. Allele origin: germline.
Comment: Variant summary: MCCC1 c.842G>A (p.Arg281Gln) results in a conservative amino acid change in the encoded protein sequence. Algorithms developed to predict the effect of missense changes on protein structure and function are either unavailable or do not agree on the potential impact of this missense change. The variant allele was found at a frequency of 1.6e-05 in 243594 control chromosomes. The available data on variant occurrences in the general population are insufficient to allow any conclusion about variant significance. c.842G>A has been observed in the simple heterozygous state in individual(s) affected with Methylcrotonyl-CoA Carboxylase Deficiency (example, Morscher_2012, Cho_2012) without strong evidence for causality. These report(s) do not provide unequivocal conclusions about association of the variant with Methylcrotonyl-CoA Carboxylase Deficiency. To our knowledge, no experimental evidence demonstrating an impact on protein function has been reported. The following publications have been ascertained in the context of this evaluation (PMID: 22264772, 22150417). ClinVar contains an entry for this variant (Variation ID: 567029). Based on the evidence outlined above, the variant was classified as uncertain significance.

Ambry Genetics
Classification: Uncertain significance for Inborn genetic diseases. Last evaluated: 2025-12-04. Review status: criteria provided, single submitter. Criteria: Ambry Variant Classification Scheme 2023. Collection method: clinical testing. Allele origin: germline.
Comment: The c.842G>A (p.R281Q) alteration is located in exon 8 (coding exon 8) of the MCCC1 gene. This alteration results from a G to A substitution at nucleotide position 842, causing the arginine (R) at amino acid position 281 to be replaced by a glutamine (Q). Based on data from gnomAD, the A allele has an overall frequency of 0.002% (4/243594) total alleles studied. The highest observed frequency was 0.011% (2/18232) of East Asian alleles. This amino acid position is highly conserved in available vertebrate species. This alteration is predicted to be deleterious by in silico analysis. Based on insufficient or conflicting evidence, the clinical significance of this alteration remains unclear.

Labcorp Genetics (formerly Invitae), Labcorp
Classification: Uncertain significance for 3-methylcrotonyl-CoA carboxylase 1 deficiency. Last evaluated: 2021-08-24. Review status: criteria provided, single submitter. Criteria: Invitae Variant Classification Sherloc (09022015). Collection method: clinical testing. Allele origin: germline.

Natera, Inc.
Classification: Uncertain significance for 3-methylcrotonyl-CoA carboxylase 1 deficiency. Last evaluated: 2021-01-19. Review status: no assertion criteria provided. Collection method: clinical testing. Allele origin: germline. Not counted in ClinVar's aggregate classification.

Literature cited by the submitters: PubMed 22264772 (cited by Women's Health and Genetics/Laboratory Corporation of America, LabCorp); PubMed 22150417 (cited by Women's Health and Genetics/Laboratory Corporation of America, LabCorp).